The following is an entry in ClinVar:

NM_003482.4(KMT2D):c.6268G>A (p.Val2090Met)

Gene: KMT2D (lysine methyltransferase 2D; minus strand). Cytogenetic location: 12q13.12.
Variant type: single nucleotide variant.
Coding change: c.6268G>A on transcript NM_003482.4 (MANE Select); coding-DNA position 6268, G replaced by A.
Protein change: p.Val2090Met; replaces valine 2090 with methionine.
Molecular consequence: missense variant.
Genome position (GRCh38, 1-based): chr12:49,041,502, C>T on the plus strand (G>A on the coding strand, the complement: KMT2D is on the minus strand). VCF-style: chr12-49041502-C-T. GRCh37 (hg19) VCF-style: chr12-49435285-C-T.
Other names: short protein forms V2090M.
Identifiers: ClinVar variation 1952023 (VCV001952023.5), dbSNP rs758283638, ClinGen allele CA384751588.

ClinVar aggregate classification (germline): Uncertain significance (1 of 4 stars; one submission).

Conditions:
Kabuki syndrome. Also called: Kabuki make-up syndrome; NIIKAWA-KUROKI SYNDROME. Identifiers: Orphanet 2322, MedGen C0796004, MONDO:0016512.

Submission:

Labcorp Genetics (formerly Invitae), Labcorp
Classification: Uncertain significance for Kabuki syndrome. Last evaluated: 2022-03-19. Review status: criteria provided, single submitter. Criteria: Invitae Variant Classification Sherloc (09022015). Collection method: clinical testing. Allele origin: germline.
Comment: This sequence change replaces valine, which is neutral and non-polar, with methionine, which is neutral and non-polar, at codon 2090 of the KMT2D protein (p.Val2090Met). This variant is not present in population databases (gnomAD no frequency). This variant has not been reported in the literature in individuals affected with KMT2D-related conditions. Advanced modeling of protein sequence and biophysical properties (such as structural, functional, and spatial information, amino acid conservation, physicochemical variation, residue mobility, and thermodynamic stability) performed at Invitae indicates that this missense variant is not expected to disrupt KMT2D protein function. Algorithms developed to predict the effect of sequence changes on RNA splicing suggest that this variant may disrupt the consensus splice site. In summary, the available evidence is currently insufficient to determine the role of this variant in disease. Therefore, it has been classified as a Variant of Uncertain Significance.